The following is an entry in ClinVar:

ClinVar aggregate classification (germline): Uncertain significance (1 of 4 stars; one submission).

Submission:

Labcorp Genetics (formerly Invitae), Labcorp
Classification: Uncertain significance. Last evaluated: 2021-10-28. Review status: criteria provided, single submitter. Criteria: Invitae Variant Classification Sherloc (09022015). Collection method: clinical testing. Allele origin: germline.
Comment: This variant is not present in population databases (gnomAD no frequency). This variant has not been reported in the literature in individuals affected with PRPF6-related conditions. Algorithms developed to predict the effect of missense changes on protein structure and function are either unavailable or do not agree on the potential impact of this missense change (SIFT: "Tolerated"; PolyPhen-2: "Possibly Damaging"; Align-GVGD: "Class C0"). In summary, the available evidence is currently insufficient to determine the role of this variant in disease. Therefore, it has been classified as a Variant of Uncertain Significance. This sequence change replaces arginine, which is basic and polar, with histidine, which is basic and polar, at codon 317 of the PRPF6 protein (p.Arg317His).

NM_012469.4(PRPF6):c.950G>A (p.Arg317His)

Gene: PRPF6 (pre-mRNA processing factor 6; plus strand). Cytogenetic location: 20q13.33.
Variant type: single nucleotide variant.
Coding change: c.950G>A on transcript NM_012469.4 (MANE Select); coding-DNA position 950, G replaced by A.
Protein change: p.Arg317His; replaces arginine 317 with histidine.
Molecular consequence: missense variant.
Genome position (GRCh38, 1-based): chr20:63,999,686, G>A. VCF-style: chr20-63999686-G-A. GRCh37 (hg19) VCF-style: chr20-62631039-G-A.
Other names: short protein forms R317H.
Identifiers: ClinVar variation 1389884 (VCV001389884.6), dbSNP rs2123021319, ClinGen allele CA409719138.
Genomic context (GRCh38, chr20:63,999,686, plus strand): 5'-TCCTCAAGTCTGTTCGGGAGACGAACCCTCATCACCCGCCAGCCTGGATTGCATCAGCCC[G>A]CCTGGAAGAAGTCACTGGGAAGCTACAAGTAGCTCGGAACCTTATCATGAAGGGGACGGA-3'
Protein context (NP_036601.2, residues 307-327): HHPPAWIASA[Arg317His]LEEVTGKLQV